The following continues an entry in ClinVar:

NM_000051.4(ATM):c.7705_7706del (p.Arg2568_Asp2569insTer)

ClinVar aggregate classification (germline): Pathogenic/Likely pathogenic. Pathogenic (11); Likely pathogenic (2).

Submissions 12 to 16 of 16:

Women's Health and Genetics/Laboratory Corporation of America, LabCorp
Classification: Pathogenic for Ataxia-telangiectasia syndrome. Last evaluated: 2021-01-11. Review status: criteria provided, single submitter. Criteria: LabCorp Variant Classification Summary - May 2015. Collection method: clinical testing. Allele origin: germline.
Comment: Variant summary: ATM c.7705_7706delGA (p.Asp2569X) results in a premature termination codon, predicted to cause a truncation of the encoded protein or absence of the protein due to nonsense mediated decay, which are commonly known mechanisms for disease. Truncations downstream of this position have been classified as pathogenic by our laboratory. The variant allele was found at a frequency of 2e-05 in 251176 control chromosomes. c.7705_7706delGA has been reported in the literature in individuals affected with Ataxia-Telangiectasia and other types of cancers (Teraoka_1999, Mitui_2003, Li_2000, Lu_2015, etc). These data indicate that the variant is likely to be associated with disease. To our knowledge, no experimental evidence demonstrating an impact on protein function has been reported. Seven clinical diagnostic laboratories have submitted clinical-significance assessments for this variant to ClinVar after 2014 without evidence for independent evaluation. All laboratories classified the variant as pathogenic/likely pathogenic. Based on the evidence outlined above, the variant was classified as pathogenic.

Illumina Laboratory Services, Illumina
Classification: Likely pathogenic for Ataxia-telangiectasia syndrome. Last evaluated: 2018-11-13. Review status: criteria provided, single submitter. Criteria: ICSL Variant Classification Criteria 09 May 2019. Collection method: clinical testing. Allele origin: germline.
Comment: The ATM c.7705_7706delGA (p.Asp2569Ter) variant is a stop-gained variant predicted to result in premature termination of the protein. The p.Asp2569Ter variant has been reported in three studies in which it was found in three individuals with ataxia telangiectasia (AT) (Teraoka et al. 1999; Mitui et al. 2003; Li et al. 2000). The variant has also been reported with unspecified zygosity in one individual diagnosed with gastric cancer (Slavin et al. 2017). Control data are unavailable for the p.Asp2569Ter variant which is reported at a frequency of 0.000149 in the Latino population of the Genome Aggregation Database. Based on the evidence and potential impact of stop-gained variants, the p.Asp2569Ter variant is classified as likely pathogenic for ataxia telangiectasia. This variant was observed by ICSL as part of a predisposition screen in an ostensibly healthy population.

Laboratory of Research in Genomics, Genetics and Bioinformatics, Hospital Infantil de Mexico Federico Gomez
Classification: Pathogenic for Ataxia-telangiectasia syndrome. Last evaluated: 2025-04-08. Review status: no assertion criteria provided. Collection method: research. Allele origin: germline. Affected: yes. Not counted in ClinVar's aggregate classification.

Laboratory for Genotyping Development, RIKEN
Classification: Pathogenic for Gastric cancer. Last evaluated: 2021-07-01. Review status: no assertion criteria provided. Collection method: research. Allele origin: germline. Not counted in ClinVar's aggregate classification.

Counsyl
Classification: Likely pathogenic for Ataxia-telangiectasia syndrome. Last evaluated: 2016-03-23. Review status: no assertion criteria provided. Collection method: clinical testing. Allele origin: unknown. Not counted in ClinVar's aggregate classification.

Literature cited by the submitters: PubMed 10330348 (cited by 7 submitters); PubMed 23807571 (cited by Labcorp Genetics (formerly Invitae), Labcorp); PubMed 25614872 (cited by Labcorp Genetics (formerly Invitae), Labcorp); PubMed 10817650 (cited by 6 submitters); PubMed 12815592 (cited by 6 submitters); PubMed 29025585 (cited by Color Diagnostics, LLC DBA Color Health); PubMed 34506673 (cited by Color Diagnostics, LLC DBA Color Health); PubMed 26689913 (cited by Women's Health and Genetics/Laboratory Corporation of America, LabCorp); PubMed 29015585 (cited by Illumina Laboratory Services, Illumina); PubMed 36988593 (cited by Laboratory for Genotyping Development, RIKEN).